The following is an entry in ClinVar:

ClinVar aggregate classification (germline): Benign. Review status: criteria provided, multiple submitters, no conflicts (2 of 4 stars). 3 submissions from 3 submitters: Benign (2). 1 of the submissions does not count toward it. Last evaluated 2025-12-08.

Conditions:
NFATC1-related disorder. Also called: NFATC1-related condition.

Allele frequency attached by ClinVar (database versions not stated): 1000 Genomes Project 0.00579; TOPMed 0.00546; 1000 Genomes Project 30x 0.00718; ESP Exome Variant Server 0.00493.
gnomAD v4.1: 1,440 of 1,584,504 alleles (0.091%); highest among the groups gnomAD compares: African/African-American, 1.6%; 11 homozygotes.

Submissions (3):

Labcorp Genetics (formerly Invitae), Labcorp
Classification: Benign. Last evaluated: 2025-12-08. Review status: criteria provided, single submitter. Criteria: Invitae Variant Classification Sherloc (09022015). Collection method: clinical testing. Allele origin: germline.

Breakthrough Genomics
Classification: Benign. Review status: criteria provided, single submitter. Criteria: ACMG Guidelines, 2015. Collection method: not provided. Allele origin: germline. Inheritance: Unknown mechanism. Affected: yes.

PreventionGenetics, part of Exact Sciences
Classification: Benign for NFATC1-related condition. Last evaluated: 2019-08-15. Review status: no assertion criteria provided. Collection method: clinical testing. Allele origin: germline. Not counted in ClinVar's aggregate classification.
Comment: This variant is classified as benign based on ACMG/AMP sequence variant interpretation guidelines (Richards et al. 2015 PMID: 25741868, with internal and published modifications).

NM_001278669.2(NFATC1):c.1104C>T (p.Pro368=)

Gene: NFATC1 (nuclear factor of activated T cells 1; plus strand). Cytogenetic location: 18q23.
Variant type: single nucleotide variant.
Coding change: c.1104C>T on transcript NM_001278669.2 (MANE Select); coding-DNA position 1104, C replaced by T.
Protein change: p.Pro368=; no amino-acid change (proline 368 retained).
Molecular consequence: synonymous variant. On other transcripts: intron variant (2).
Genome position (GRCh38, 1-based): chr18:79,411,379, C>T. VCF-style: chr18-79411379-C-T. GRCh37 (hg19) VCF-style: chr18-77171379-C-T.
Other names: c.1104C>T, p.Pro368= (NM_001278670.2, NM_006162.5, NM_172390.3); c.1065C>T, p.Pro355= (NM_001278672.2, NM_001278675.2, NM_172387.3 and 1 more transcripts); c.-191+15028C>T (NM_172388.3); c.-191+10900C>T (NM_001278673.2); c.1104C>T (NM_001278669.1).
Identifiers: ClinVar variation 1536393 (VCV001536393.10), dbSNP rs143180395, ClinGen allele CA9009039.